The following is an entry in ClinVar:

NM_003001.5(SDHC):c.229G>C (p.Ala77Pro)

Gene: SDHC (succinate dehydrogenase complex subunit C; plus strand). Cytogenetic location: 1q23.3.
Variant type: single nucleotide variant.
Coding change: c.229G>C on transcript NM_003001.5 (MANE Select); coding-DNA position 229, G replaced by C.
Protein change: p.Ala77Pro; replaces alanine 77 with proline.
Molecular consequence: missense variant. On other transcripts: non-coding transcript variant (1).
Genome position (GRCh38, 1-based): chr1:161,340,643, G>C. VCF-style: chr1-161340643-G-C. GRCh37 (hg19) VCF-style: chr1-161310433-G-C.
Other names: c.229G>C, p.Ala77Pro (NM_001035511.3); c.127G>C, p.Ala43Pro (NM_001035512.3, NM_001278172.3, NM_001407118.1); c.70G>C, p.Ala24Pro (NM_001035513.3); c.349G>C, p.Ala117Pro (NM_001407115.1); c.172G>C, p.Ala58Pro (NM_001407116.1, NM_001407117.1, NM_001407121.1); c.118G>C, p.Ala40Pro (NM_001407119.1, NM_001407120.1); short protein forms A117P, A24P, A40P, A77P, A43P, A58P.
Identifiers: ClinVar variation 4161262 (VCV004161262.1).
Genomic context (GRCh38, chr1:161,340,643, plus strand): 5'-TTTCTTTACAGTTGGTCTCTTCCCATGGCGATGTCCATCTGCCACCGTGGCACTGGTATT[G>C]CTTTGAGTGCAGGTATGTATATGTGTTTTTACACACACATATGTGCTTCTTTGAAAAACT-3'
Protein context (NP_002992.1, residues 67-87): MSICHRGTGI[Ala77Pro]LSAGVSLFGM

ClinVar aggregate classification (germline): Uncertain significance (1 of 4 stars; one submission).

Conditions:
Hereditary cancer-predisposing syndrome. Also called: Neoplastic Syndromes, Hereditary; Tumor predisposition; Hereditary Cancer Syndrome; Hereditary neoplastic syndrome. Identifiers: Orphanet 140162, MedGen C0027672, MeSH D009386, MONDO:0015356.

Submission:

Ambry Genetics
Classification: Uncertain significance for Hereditary cancer-predisposing syndrome. Last evaluated: 2025-07-06. Review status: criteria provided, single submitter. Criteria: Ambry Variant Classification Scheme 2023. Collection method: clinical testing. Allele origin: germline.
Comment: The p.A77P variant (also known as c.229G>C), located in coding exon 4 of the SDHC gene, results from a G to C substitution at nucleotide position 229. The alanine at codon 77 is replaced by proline, an amino acid with highly similar properties. This amino acid position is conserved. In addition, this alteration is predicted to be deleterious by in silico analysis. Based on the available evidence, the clinical significance of this variant remains unclear.